The following is an entry in ClinVar:

ClinVar aggregate classification (germline): Likely benign (0 of 4 stars; one submission).

Conditions:
DNMBP-related disorder. Also called: DNMBP-related condition.

Allele frequency attached by ClinVar (database versions not stated): gnomAD exomes 0.00016; ExAC 0.00060; gnomAD 0.00170; TOPMed 0.00187; ESP Exome Variant Server 0.00246; 1000 Genomes Project 0.00319; 1000 Genomes Project 30x 0.00390.
gnomAD v4.1: 502 of 1,614,244 alleles (0.031%); highest among the groups gnomAD compares: African/African-American, 0.57%; 3 homozygotes.

Submission:

PreventionGenetics, part of Exact Sciences
Classification: Likely benign for DNMBP-related condition. Last evaluated: 2019-04-03. Review status: no assertion criteria provided. Collection method: clinical testing. Allele origin: germline.
Comment: This variant is classified as likely benign based on ACMG/AMP sequence variant interpretation guidelines (Richards et al. 2015 PMID: 25741868, with internal and published modifications).

NM_015221.4(DNMBP):c.1758G>A (p.Lys586=)

Genes: DNMBP (dynamin binding protein; minus strand), DNMBP-AS1 (DNMBP antisense RNA 1; plus strand). Cytogenetic location: 10q24.2.
Variant type: single nucleotide variant.
Coding change: c.1758G>A on transcript NM_015221.4 (MANE Select); coding-DNA position 1758, G replaced by A.
Protein change: p.Lys586=; no amino-acid change (lysine 586 retained).
Molecular consequence: synonymous variant. On other transcripts: non-coding transcript variant (1).
Genome position (GRCh38, 1-based): chr10:99,955,716, C>T on the plus strand (G>A on the coding strand, the complement: DNMBP is on the minus strand). VCF-style: chr10-99955716-C-T. GRCh37 (hg19) VCF-style: chr10-101715473-C-T.
Identifiers: ClinVar variation 3048812 (VCV003048812.2), dbSNP rs36078125, ClinGen allele CA5645141.
Genomic context (GRCh38, chr10:99,955,716, plus strand): 5'-CTTTCTCCTTTCCGGCAGCTCCTGCTCGGTGATTAACTTTGAGGAACCTCGGACAATATC[C>T]TTCTCAGAGTTAAAGTCCATGATTGAAAAGTGGCGTAAAATTTTATCTGGCTCTGTGCCG-3'
Protein context (NP_056036.1, residues 576-596): HFSIMDFNSE[Lys586=]DIVRGSSKLI